The following is an entry in ClinVar:

NM_030662.4(MAP2K2):c.1191C>A (p.Arg397=)

Gene: MAP2K2 (mitogen-activated protein kinase kinase 2; minus strand). Cytogenetic location: 19p13.3.
Variant type: single nucleotide variant.
Coding change: c.1191C>A on transcript NM_030662.4 (MANE Select); coding-DNA position 1191, C replaced by A.
Protein change: p.Arg397=; no amino-acid change (arginine 397 retained).
Molecular consequence: synonymous variant.
Genome position (GRCh38, 1-based): chr19:4,090,610, G>T on the plus strand (C>A on the coding strand, the complement: MAP2K2 is on the minus strand). VCF-style: chr19-4090610-G-T. GRCh37 (hg19) VCF-style: chr19-4090608-G-T.
Identifiers: ClinVar variation 3348051 (VCV003348051.1).

ClinVar aggregate classification (germline): Likely benign (0 of 4 stars; one submission).

Conditions:
MAP2K2-related disorder. Also called: MAP2K2-related condition.

Submission:

PreventionGenetics, part of Exact Sciences
Classification: Likely benign for MAP2K2-related condition. Last evaluated: 2024-05-08. Review status: no assertion criteria provided. Collection method: clinical testing. Allele origin: germline.
Comment: This variant is classified as likely benign based on ACMG/AMP sequence variant interpretation guidelines (Richards et al. 2015 PMID: 25741868, with internal and published modifications).